The following is an entry in ClinVar:

NM_000419.5(ITGA2B):c.2051T>G (p.Leu684Arg)

Gene: ITGA2B (integrin subunit alpha 2b; minus strand). Cytogenetic location: 17q21.31.
Variant type: single nucleotide variant.
Coding change: c.2051T>G on transcript NM_000419.5 (MANE Select); coding-DNA position 2051, T replaced by G.
Protein change: p.Leu684Arg; replaces leucine 684 with arginine.
Molecular consequence: missense variant.
Genome position (GRCh38, 1-based): chr17:44,378,405, A>C on the plus strand (T>G on the coding strand, the complement: ITGA2B is on the minus strand). VCF-style: chr17-44378405-A-C. GRCh37 (hg19) VCF-style: chr17-42455773-A-C.
Other names: NM_000419.5:c.2051T>G; short protein forms L684R.
Identifiers: ClinVar variation 1330350 (VCV001330350.2), dbSNP rs2143450670, ClinGen allele CA399799849.

ClinVar aggregate classification (germline): Uncertain significance (3 of 4 stars; one submission).

Conditions:
Glanzmann thrombasthenia. Also called: THROMBASTHENIA OF GLANZMANN AND NAEGELI; BLEEDING DISORDER, PLATELET-TYPE, 2; Thrombasthenia; PLATELET GLYCOPROTEIN IIb-IIIa DEFICIENCY; Glanzmann's thrombasthenia. Identifiers: Orphanet 849, MedGen C0040015, MONDO:0100326.

Submission:

ClinGen Platelet Disorders Variant Curation Expert Panel, ClinGen
Classification: Uncertain significance for Glanzmann thrombasthenia. Last evaluated: 2024-10-15. Review status: reviewed by expert panel. Criteria: ClinGen Platelet ACMG Specifications v2-1. Collection method: curation. Allele origin: germline. Inheritance: Autosomal recessive inheritance.
Comment: The NM_000419.5(ITGA2B):c.2051T>G (p.Leu684Arg) missense variant has been reported in at least one Glanzmann thrombasthenia patient (PMID: 21113249). Patient GE displayed mucocutaneous bleeding and impaired aggregation with all agonists except ristocetin, which is highly specific for Glanzmann thrombasthenia . Additionally, αIIbβ3 surface expression was reduced to <1%, as measured by flow cytometry, and there was<1% binding to PAC-1. (PP4_strong). This variant is absent from gnomAD v4.1 (PM2_Supporting). In summary, this variant meets the criteria to be classified as Uncertain significance for autosomal recessive Glanzmann Thrombasthenia based on the ACMG/AMP criteria applied, as specified by the ClinGen PD VCEP: PP4_strong, PM2_supporitng.